The following is an entry in ClinVar:

NM_018076.5(ODAD2):c.1460A>T (p.Gln487Leu)

Gene: ODAD2 (outer dynein arm docking complex subunit 2; minus strand). Cytogenetic location: 10p12.1.
Variant type: single nucleotide variant.
Coding change: c.1460A>T on transcript NM_018076.5 (MANE Select); coding-DNA position 1460, A replaced by T.
Protein change: p.Gln487Leu; replaces glutamine 487 with leucine.
Molecular consequence: missense variant.
Genome position (GRCh38, 1-based): chr10:27,944,889, T>A on the plus strand (A>T on the coding strand, the complement: ODAD2 is on the minus strand). VCF-style: chr10-27944889-T-A. GRCh37 (hg19) VCF-style: chr10-28233818-T-A.
Other names: c.1460A>T (NM_018076.4, NM_018076.2); c.1460A>T, p.Gln487Leu (NM_001290020.2); c.35A>T, p.Gln12Leu (NM_001290021.2); c.536A>T, p.Gln179Leu (NM_001312689.2); short protein forms Q12L, Q179L, Q487L.
Identifiers: ClinVar variation 1681377 (VCV001681377.10), dbSNP rs773452157, ClinGen allele CA5453532.

ClinVar aggregate classification (germline): Conflicting classifications of pathogenicity. Review status: criteria provided, conflicting classifications (1 of 4 stars). 3 submissions from 3 submitters: Uncertain significance (1); Likely benign (2). Last evaluated 2026-01-22.

Conditions:
Primary ciliary dyskinesia 23 (CILD23). Also called: CILIARY DYSKINESIA, PRIMARY, 23, WITH OR WITHOUT SITUS INVERSUS. Identifiers: Orphanet 244, MedGen C3809548, MONDO:0014193, OMIM 615451.
Primary ciliary dyskinesia. Also called: Ciliary dyskinesia. Identifiers: Orphanet 244, MedGen C0008780, MONDO:0016575, HP:0012265.
ODAD2-related disorder. Also called: ODAD2-related condition.

Allele frequency attached by ClinVar (database versions not stated): gnomAD 0.00003; ExAC 0.00035; gnomAD exomes 0.00035.
gnomAD v4.1: 95 of 1,614,056 alleles (0.0059%); highest among the groups gnomAD compares: Admixed American, 0.14%; no homozygotes.

Submissions (3):

Labcorp Genetics (formerly Invitae), Labcorp
Classification: Likely benign for Primary ciliary dyskinesia 23. Last evaluated: 2026-01-22. Review status: criteria provided, single submitter. Criteria: Invitae Variant Classification Sherloc (09022015). Collection method: clinical testing. Allele origin: germline.

PreventionGenetics, part of Exact Sciences
Classification: Uncertain significance for ODAD2-related condition. Last evaluated: 2024-10-08. Review status: criteria provided, single submitter. Criteria: ACMG Guidelines, 2015. Collection method: clinical testing. Allele origin: germline.
Comment: The ODAD2 c.1460A>T variant is predicted to result in the amino acid substitution p.Gln487Leu. To our knowledge, this variant has not been reported in the literature. This variant is reported in 0.20% of alleles in individuals of Latino descent in gnomAD. At this time, the clinical significance of this variant is uncertain due to the absence of conclusive functional and genetic evidence.

Ambry Genetics
Classification: Likely benign for Primary ciliary dyskinesia. Last evaluated: 2024-01-08. Review status: criteria provided, single submitter. Criteria: Ambry Variant Classification Scheme 2023. Collection method: clinical testing. Allele origin: germline.